The following is an entry in ClinVar:

ClinVar aggregate classification (germline): Conflicting classifications of pathogenicity. Review status: criteria provided, conflicting classifications (1 of 4 stars). 5 submissions from 5 submitters: Uncertain significance (2); Likely benign (2). 1 of the submissions does not count toward it. Last evaluated 2025-12-22.

Conditions:
RIPOR2-related disorder. Also called: RIPOR2-related condition.

Allele frequency attached by ClinVar (database versions not stated): gnomAD exomes 0.00016 and 0.00033; ExAC 0.00064; ESP Exome Variant Server 0.00131; gnomAD 0.00153 and 0.00165; TOPMed 0.00185; 1000 Genomes Project 30x 0.00187; 1000 Genomes Project 0.00200.
gnomAD v4.1: 463 of 1,549,924 alleles (0.03%); highest among the groups gnomAD compares: African/African-American, 0.55%; 1 homozygote.

Submissions (5):

Labcorp Genetics (formerly Invitae), Labcorp
Classification: Likely benign. Last evaluated: 2025-12-22. Review status: criteria provided, single submitter. Criteria: Invitae Variant Classification Sherloc (09022015). Collection method: clinical testing. Allele origin: germline.

Blueprint Genetics
Classification: Uncertain significance. Last evaluated: 2024-06-24. Review status: criteria provided, single submitter. Criteria: ACMG Guidelines, 2015. Collection method: clinical testing. Allele origin: germline.

Eurofins Ntd Llc (ga)
Classification: Uncertain significance. Last evaluated: 2017-12-22. Review status: criteria provided, single submitter. Criteria: EGL Classification Definitions 2015. Collection method: clinical testing. Allele origin: germline. Observed: 1 variant allele, 1 heterozygote.

Laboratory for Molecular Medicine, Mass General Brigham Personalized Medicine
Classification: Likely benign. Last evaluated: 2017-08-23. Review status: criteria provided, single submitter. Criteria: LMM Criteria. Collection method: clinical testing. Allele origin: germline. Observed: 2 variant alleles.
Comment: p.Thr1066Ala in exon 23 of FAM65B: This variant is not expected to have clinical significance because it has been identified in 0.65% (14/2154) of African chrom osomes by the Exome Aggregation Consortium (ExAC ; dbSNP rs373913240).

PreventionGenetics, part of Exact Sciences
Classification: Likely benign for RIPOR2-related condition. Last evaluated: 2019-09-24. Review status: no assertion criteria provided. Collection method: clinical testing. Allele origin: germline. Not counted in ClinVar's aggregate classification.
Comment: This variant is classified as likely benign based on ACMG/AMP sequence variant interpretation guidelines (Richards et al. 2015 PMID: 25741868, with internal and published modifications).

NM_001286445.3(RIPOR2):c.3133A>G (p.Thr1045Ala)

Gene: RIPOR2 (RHO family interacting cell polarization regulator 2; minus strand). Cytogenetic location: 6p22.3.
Variant type: single nucleotide variant.
Coding change: c.3133A>G on transcript NM_001286445.3 (MANE Select); coding-DNA position 3133, A replaced by G.
Protein change: p.Thr1045Ala; replaces threonine 1045 with alanine.
Molecular consequence: missense variant.
Genome position (GRCh38, 1-based): chr6:24,806,384, T>C on the plus strand (A>G on the coding strand, the complement: RIPOR2 is on the minus strand). VCF-style: chr6-24806384-T-C. GRCh37 (hg19) VCF-style: chr6-24806612-T-C.
Other names: c.3196A>G, p.Thr1066Ala (NM_014722.5); c.3046A>G, p.Thr1016Ala (NM_001346032.2, NM_001346031.2); c.3196A>G (NM_014722.4); short protein forms T1066A, T1016A, T1045A.
Identifiers: ClinVar variation 595299 (VCV000595299.21), dbSNP rs373913240, ClinGen allele CA3659027.